The following is an entry in ClinVar:

NM_000717.5(CA4):c.513+6A>G

Gene: CA4 (carbonic anhydrase 4; plus strand). Cytogenetic location: 17q23.1.
Variant type: single nucleotide variant.
Coding change: c.513+6A>G on transcript NM_000717.5 (MANE Select); 6 bases into the intron after coding-DNA position 513, A replaced by G.
Molecular consequence: intron variant.
Genome position (GRCh38, 1-based): chr17:60,157,794, A>G. VCF-style: chr17-60157794-A-G. GRCh37 (hg19) VCF-style: chr17-58235155-A-G.
Identifiers: ClinVar variation 3675129 (VCV003675129.3).

ClinVar aggregate classification (germline): Conflicting classifications of pathogenicity. Review status: criteria provided, conflicting classifications (1 of 4 stars). 2 submissions from 2 submitters: Uncertain significance (1); Likely benign (1). Last evaluated 2024-08-22.

gnomAD v4.1: 39 of 1,607,278 alleles (0.0024%); highest among the groups gnomAD compares: Non-Finnish European, 0.0033%; no homozygotes.

Submissions (2):

Labcorp Genetics (formerly Invitae), Labcorp
Classification: Uncertain significance. Last evaluated: 2024-08-22. Review status: criteria provided, single submitter. Criteria: Invitae Variant Classification Sherloc (09022015). Collection method: clinical testing. Allele origin: germline.
Comment: This sequence change falls in intron 5 of the CA4 gene. It does not directly change the encoded amino acid sequence of the CA4 protein. It affects a nucleotide within the consensus splice site. This variant is present in population databases (rs762987801, gnomAD 0.0009%). This variant has not been reported in the literature in individuals affected with CA4-related conditions. Variants that disrupt the consensus splice site are a relatively common cause of aberrant splicing (PMID: 17576681, 9536098). Algorithms developed to predict the effect of sequence changes on RNA splicing suggest that this variant is not likely to affect RNA splicing. In summary, the available evidence is currently insufficient to determine the role of this variant in disease. Therefore, it has been classified as a Variant of Uncertain Significance.

Blueprint Genetics
Classification: Likely benign. Last evaluated: 2023-12-04. Review status: criteria provided, single submitter. Criteria: ACMG Guidelines, 2015. Collection method: clinical testing. Allele origin: germline.

Literature cited by the submitters: PubMed 17576681 (cited by Labcorp Genetics (formerly Invitae), Labcorp); PubMed 9536098 (cited by Labcorp Genetics (formerly Invitae), Labcorp).